The following is an entry in ClinVar:

NM_001184.4(ATR):c.2979G>A (p.Arg993=)

Gene: ATR (ATR checkpoint kinase; minus strand). Cytogenetic location: 3q23.
Variant type: single nucleotide variant.
Coding change: c.2979G>A on transcript NM_001184.4 (MANE Select); coding-DNA position 2979, G replaced by A.
Protein change: p.Arg993=; no amino-acid change (arginine 993 retained).
Molecular consequence: synonymous variant.
Genome position (GRCh38, 1-based): chr3:142,549,671, C>T on the plus strand (G>A on the coding strand, the complement: ATR is on the minus strand). VCF-style: chr3-142549671-C-T. GRCh37 (hg19) VCF-style: chr3-142268513-C-T.
Other names: c.2787G>A, p.Arg929= (NM_001354579.2).
Identifiers: ClinVar variation 507419 (VCV000507419.12), dbSNP rs376960547, ClinGen allele CA2650219.

ClinVar aggregate classification (germline): Likely benign. Review status: criteria provided, multiple submitters, no conflicts (2 of 4 stars). 5 submissions from 4 submitters: Likely benign (5). Last evaluated 2024-10-24.

Conditions:
Inborn genetic diseases. Identifiers: MedGen C0950123, MeSH D030342.
Seckel syndrome 1 (SCKL1). Also called: MICROCEPHALIC PRIMORDIAL DWARFISM I. Identifiers: Orphanet 808, MedGen C4551474, MONDO:0008869, OMIM 210600.
Familial cutaneous telangiectasia and oropharyngeal predisposition cancer syndrome. Identifiers: Orphanet 313846, MedGen C3281203, MONDO:0013806, OMIM 614564.

Allele frequency attached by ClinVar (database versions not stated): gnomAD exomes below 0.00001; TOPMed below 0.00001; ExAC 0.00001; gnomAD 0.00001.
gnomAD v4.1: 13 of 1,612,966 alleles (0.00081%); highest among the groups gnomAD compares: East Asian, 0.0045%; no homozygotes.

Submissions (5):

Labcorp Genetics (formerly Invitae), Labcorp
Classification: Likely benign. Last evaluated: 2024-10-24. Review status: criteria provided, single submitter. Criteria: Invitae Variant Classification Sherloc (09022015). Collection method: clinical testing. Allele origin: germline.

Genome-Nilou Lab
Classification: Likely benign for Seckel syndrome 1. Last evaluated: 2023-02-08. Review status: criteria provided, single submitter. Criteria: ACMG Guidelines, 2015. Collection method: clinical testing. Allele origin: germline.

Genome-Nilou Lab
Classification: Likely benign for Familial cutaneous telangiectasia and oropharyngeal predisposition cancer syndrome. Last evaluated: 2023-02-08. Review status: criteria provided, single submitter. Criteria: ACMG Guidelines, 2015. Collection method: clinical testing. Allele origin: germline.

Ambry Genetics
Classification: Likely benign for Inborn genetic diseases. Last evaluated: 2022-04-24. Review status: criteria provided, single submitter. Criteria: Ambry Variant Classification Scheme 2023. Collection method: clinical testing. Allele origin: germline.

GeneDx
Classification: Likely benign. Last evaluated: 2017-02-16. Review status: criteria provided, single submitter. Criteria: GeneDx Variant Classification (06012015). Collection method: clinical testing. Allele origin: germline. Affected: yes.
Comment: This variant is considered likely benign or benign based on one or more of the following criteria: it is a conservative change, it occurs at a poorly conserved position in the protein, it is predicted to be benign by multiple in silico algorithms, and/or has population frequency not consistent with disease.